The following is an entry in ClinVar:

NM_003235.5(TG):c.4857C>T (p.Ser1619=)

Gene: TG (thyroglobulin; plus strand). Cytogenetic location: 8q24.22.
Variant type: single nucleotide variant.
Coding change: c.4857C>T on transcript NM_003235.5 (MANE Select); coding-DNA position 4857, C replaced by T.
Protein change: p.Ser1619=; no amino-acid change (serine 1619 retained).
Molecular consequence: synonymous variant.
Genome position (GRCh38, 1-based): chr8:132,933,601, C>T. VCF-style: chr8-132933601-C-T. GRCh37 (hg19) VCF-style: chr8-133945846-C-T.
Other names: c.4857C>T (NM_003235.4).
Identifiers: ClinVar variation 3016185 (VCV003016185.5), dbSNP rs370476341, ClinGen allele CA4884289.

ClinVar aggregate classification (germline): Likely benign. Review status: criteria provided, single submitter (1 of 4 stars). 2 submissions from 2 submitters: Likely benign (1). 1 of the submissions does not count toward it. Last evaluated 2024-02-02.

Conditions:
TG-related disorder. Also called: TG-related condition; TG-related disorders.

Allele frequency attached by ClinVar (database versions not stated): TOPMed 0.00002; gnomAD 0.00003; ExAC 0.00008; ESP Exome Variant Server 0.00015.
gnomAD v4.1: 119 of 1,614,090 alleles (0.0074%); highest among the groups gnomAD compares: Middle Eastern, 0.066%; no homozygotes.

Submissions (2):

Labcorp Genetics (formerly Invitae), Labcorp
Classification: Likely benign. Last evaluated: 2024-02-02. Review status: criteria provided, single submitter. Criteria: Invitae Variant Classification Sherloc (09022015). Collection method: clinical testing. Allele origin: germline.

PreventionGenetics, part of Exact Sciences
Classification: Likely benign for TG-related condition. Last evaluated: 2019-03-06. Review status: no assertion criteria provided. Collection method: clinical testing. Allele origin: germline. Not counted in ClinVar's aggregate classification.
Comment: This variant is classified as likely benign based on ACMG/AMP sequence variant interpretation guidelines (Richards et al. 2015 PMID: 25741868, with internal and published modifications).